The following is an entry in ClinVar:

NM_020719.3(PRR12):c.2446G>A (p.Ala816Thr)

Gene: PRR12 (proline rich 12; plus strand). Cytogenetic location: 19q13.33.
Variant type: single nucleotide variant.
Coding change: c.2446G>A on transcript NM_020719.3 (MANE Select); coding-DNA position 2446, G replaced by A.
Protein change: p.Ala816Thr; replaces alanine 816 with threonine.
Molecular consequence: missense variant.
Genome position (GRCh38, 1-based): chr19:49,596,781, G>A. VCF-style: chr19-49596781-G-A. GRCh37 (hg19) VCF-style: chr19-50100038-G-A.
Other names: short protein forms A816T.
Identifiers: ClinVar variation 3046858 (VCV003046858.2), dbSNP rs200922630, ClinGen allele CA9578107.
Genomic context (GRCh38, chr19:49,596,781, plus strand): 5'-CCGCCTCCCCCCCAGCTGCTCCCCTCGGTCCTCAGCCATGCCCCCAGTCCCTCTCCCAGC[G>A]CCTCCAAAGTCGGCGTCCACCTCCTTGAGCCAGCCACCCGCGATGGGGCACCCCAGCCAC-3'
Protein context (NP_065770.1, residues 806-826): LSHAPSPSPS[Ala816Thr]SKVGVHLLEP

ClinVar aggregate classification (germline): Likely benign (0 of 4 stars; one submission).

Conditions:
PRR12-related disorder. Also called: PRR12-related condition.

Allele frequency attached by ClinVar (database versions not stated): gnomAD 0.00016; TOPMed 0.00032; 1000 Genomes Project 0.00040; ExAC 0.00053; 1000 Genomes Project 30x 0.00062.
gnomAD v4.1: 206 of 1,600,396 alleles (0.013%); highest among the groups gnomAD compares: East Asian, 0.39%; 1 homozygote.

Submission:

PreventionGenetics, part of Exact Sciences
Classification: Likely benign for PRR12-related condition. Last evaluated: 2019-03-29. Review status: no assertion criteria provided. Collection method: clinical testing. Allele origin: germline.
Comment: This variant is classified as likely benign based on ACMG/AMP sequence variant interpretation guidelines (Richards et al. 2015 PMID: 25741868, with internal and published modifications).